The following is an entry in ClinVar:

ClinVar aggregate classification (germline): Likely pathogenic (1 of 4 stars; one submission).

Submission:

GeneDx
Classification: Likely pathogenic. Last evaluated: 2026-02-14. Review status: criteria provided, single submitter. Criteria: GeneDx Variant Classification Process June 2021. Collection method: clinical testing. Allele origin: germline.
Comment: Reported in the published literature in association with generalized and segmental dystonia (PMID: 33175450, 38214203); Nonsense variant predicted to result in protein truncation, as the last 116 amino acid(s) are lost, and other loss-of-function variants have been reported downstream in HGMD; Not observed at significant frequency in large population cohorts (gnomAD); This variant is associated with the following publications: (PMID: 38214203, 33175450)

NM_018105.3(THAP1):c.292G>T (p.Glu98Ter)

Gene: THAP1 (THAP domain containing 1; minus strand). Cytogenetic location: 8p11.21.
Variant type: single nucleotide variant.
Coding change: c.292G>T on transcript NM_018105.3 (MANE Select); coding-DNA position 292, G replaced by T.
Protein change: p.Glu98Ter; replaces glutamic acid 98 with a stop codon.
Molecular consequence: nonsense. On other transcripts: missense variant (1).
Genome position (GRCh38, 1-based): chr8:42,838,312, C>A on the plus strand (G>T on the coding strand, the complement: THAP1 is on the minus strand). VCF-style: chr8-42838312-C-A. GRCh37 (hg19) VCF-style: chr8-42693455-C-A.
Other names: c.96G>T, p.Arg32Ser (NM_199003.2); short protein forms E98*, R32S.
Identifiers: ClinVar variation 4888100 (VCV004888100.1).